The following is an entry in ClinVar:

ClinVar aggregate classification (germline): Uncertain significance. Review status: criteria provided, multiple submitters, no conflicts (2 of 4 stars). 3 submissions from 3 submitters: Uncertain significance (3). Last evaluated 2025-06-27.

Conditions:
Hereditary cancer-predisposing syndrome. Also called: Neoplastic Syndromes, Hereditary; Tumor predisposition; Hereditary Cancer Syndrome; Hereditary neoplastic syndrome. Identifiers: Orphanet 140162, MedGen C0027672, MeSH D009386, MONDO:0015356.
Familial adenomatous polyposis 1 (FAP1). Also called: FAMILIAL ADENOMATOUS POLYPOSIS 1, ATTENUATED; POLYPOSIS, ADENOMATOUS INTESTINAL. Identifiers: MedGen C2713442, MONDO:0021056, OMIM 175100. Disease mechanism: loss of function.

Allele frequency attached by ClinVar (database versions not stated): TOPMed below 0.00001; gnomAD 0.00001.
gnomAD v4.1: 1 of 1,614,052 alleles (0.000062%); highest among the groups gnomAD compares: Non-Finnish European, 0.000085%; no homozygotes.

Submissions (3):

Labcorp Genetics (formerly Invitae), Labcorp
Classification: Uncertain significance for Familial adenomatous polyposis 1. Last evaluated: 2025-06-27. Review status: criteria provided, single submitter. Criteria: Invitae Variant Classification Sherloc (09022015). Collection method: clinical testing. Allele origin: germline.
Comment: This sequence change replaces phenylalanine, which is neutral and non-polar, with leucine, which is neutral and non-polar, at codon 1197 of the APC protein (p.Phe1197Leu). This variant is not present in population databases (gnomAD no frequency). This variant has not been reported in the literature in individuals affected with APC-related conditions. ClinVar contains an entry for this variant (Variation ID: 482381). Invitae Evidence Modeling of protein sequence and biophysical properties (such as structural, functional, and spatial information, amino acid conservation, physicochemical variation, residue mobility, and thermodynamic stability) indicates that this missense variant is not expected to disrupt APC protein function with a negative predictive value of 95%. In summary, the available evidence is currently insufficient to determine the role of this variant in disease. Therefore, it has been classified as a Variant of Uncertain Significance.

Ambry Genetics
Classification: Uncertain significance for Hereditary cancer-predisposing syndrome. Last evaluated: 2025-01-03. Review status: criteria provided, single submitter. Criteria: Ambry Variant Classification Scheme 2023. Collection method: clinical testing. Allele origin: germline.
Comment: The p.F1197L variant (also known as c.3589T>C), located in coding exon 15 of the APC gene, results from a T to C substitution at nucleotide position 3589. The phenylalanine at codon 1197 is replaced by leucine, an amino acid with highly similar properties. This amino acid position is well conserved in available vertebrate species. In addition, in silico predictors for this gene do not accurately predict pathogenicity. Missense alterations in APC are not a common cause of disease (Spier I et al. Genet Med. 2024 Feb;26(2):100992). Based on the available evidence, the clinical significance of this variant remains unclear.

Baylor Genetics
Classification: Uncertain significance for Familial adenomatous polyposis 1. Last evaluated: 2024-02-27. Review status: criteria provided, single submitter. Criteria: ACMG Guidelines, 2015. Collection method: clinical testing. Allele origin: unknown.

NM_000038.6(APC):c.3589T>C (p.Phe1197Leu)

Gene: APC (APC regulator of Wnt signaling pathway; plus strand). Cytogenetic location: 5q22.2.
Variant type: single nucleotide variant.
Coding change: c.3589T>C on transcript NM_000038.6 (MANE Select); coding-DNA position 3589, T replaced by C.
Protein change: p.Phe1197Leu; replaces phenylalanine 1197 with leucine.
Molecular consequence: missense variant.
Genome position (GRCh38, 1-based): chr5:112,839,183, T>C. VCF-style: chr5-112839183-T-C. GRCh37 (hg19) VCF-style: chr5-112174880-T-C.
Other names: c.3589T>C, p.Phe1197Leu (NM_001127510.3, NM_001354895.2); c.3535T>C, p.Phe1179Leu (NM_001127511.3); c.3643T>C, p.Phe1215Leu (NM_001354896.2); c.3619T>C, p.Phe1207Leu (NM_001354897.2); c.3514T>C, p.Phe1172Leu (NM_001354898.2); c.3505T>C, p.Phe1169Leu (NM_001354899.2); c.3466T>C, p.Phe1156Leu (NM_001354900.2); c.3412T>C, p.Phe1138Leu (NM_001354901.2); and 5 more; short protein forms F1197L, F1179L, F1037L, F1169L, F1207L, F1106L, F1138L, F1215L.
Identifiers: ClinVar variation 482381 (VCV000482381.53), dbSNP rs1399846917, ClinGen allele CA16029216.